The following is an entry in ClinVar:

ClinVar aggregate classification (germline): Uncertain significance. Review status: criteria provided, multiple submitters, no conflicts (2 of 4 stars). 2 submissions from 2 submitters: Uncertain significance (2). Last evaluated 2021-06-25.

Conditions:
Hereditary cancer-predisposing syndrome. Also called: Hereditary Cancer Syndrome; Hereditary neoplastic syndrome; Neoplastic Syndromes, Hereditary; Tumor predisposition. Identifiers: Orphanet 140162, MedGen C0027672, MeSH D009386, MONDO:0015356.
Fanconi anemia (FA). Also called: Fanconi's anemia. Identifiers: Orphanet 84, MedGen C0015625, MeSH D005199, MONDO:0019391.

Allele frequency attached by ClinVar (database versions not stated): gnomAD exomes below 0.00001; ExAC 0.00001.
gnomAD v4.1: 2 of 1,614,204 alleles (0.00012%); highest among the groups gnomAD compares: South Asian, 0.0022%; no homozygotes.

Submissions (2):

Sema4
Classification: Uncertain significance for Fanconi anemia. Last evaluated: 2021-06-25. Review status: criteria provided, single submitter. Criteria: Sema4 Curation Guidelines. Collection method: curation. Allele origin: germline.
Comment: The FANCC c.1457T>C (p.L486P) variant has not been reported in the literature to our knowledge. It was observed in 1/30614 South Asian subpopulation in the large and broad cohorts of the Genome Aggregation Database (PMID: 32461654). The variant has not been reported in ClinVar. In silico tools suggest the impact of the variant on protein function is inconclusive, though these predictions have not been confirmed by functional studies. The evidence is insufficient to meet ACMG/AMP criteria for classifying the variant as benign or pathogenic. Thus, the clinical significance of this variant is currently uncertain.

Ambry Genetics
Classification: Uncertain significance for Hereditary cancer-predisposing syndrome. Last evaluated: 2020-05-27. Review status: criteria provided, single submitter. Criteria: Ambry Variant Classification Scheme 2023. Collection method: clinical testing. Allele origin: germline.
Comment: The p.L486P variant (also known as c.1457T>C), located in coding exon 13 of the FANCC gene, results from a T to C substitution at nucleotide position 1457. The leucine at codon 486 is replaced by proline, an amino acid with similar properties. This amino acid position is well conserved in available vertebrate species. In addition, the in silico prediction for this alteration is inconclusive. Since supporting evidence is limited at this time, the clinical significance of this alteration remains unclear.

NM_000136.3(FANCC):c.1457T>C (p.Leu486Pro)

Genes: FANCC (FA complementation group C; minus strand), AOPEP (aminopeptidase O (putative); plus strand). Cytogenetic location: 9q22.32.
Variant type: single nucleotide variant.
Coding change: c.1457T>C on transcript NM_000136.3 (MANE Select); coding-DNA position 1457, T replaced by C.
Protein change: p.Leu486Pro; replaces leucine 486 with proline.
Molecular consequence: missense variant.
Genome position (GRCh38, 1-based): chr9:95,107,142, A>G on the plus strand (T>C on the coding strand, the complement: FANCC is on the minus strand). VCF-style: chr9-95107142-A-G. GRCh37 (hg19) VCF-style: chr9-97869424-A-G.
Other names: c.1457T>C, p.Leu486Pro (NM_001243743.2); short protein forms L486P.
Identifiers: ClinVar variation 1692231 (VCV001692231.3), dbSNP rs753031127, ClinGen allele CA5137328.